The following is an entry in ClinVar:

NM_024577.4(SH3TC2):c.*8533A>G

Gene: SH3TC2 (SH3 domain and tetratricopeptide repeats 2; minus strand). Cytogenetic location: 5q32.
Variant type: single nucleotide variant.
Coding change: c.*8533A>G on transcript NM_024577.4 (MANE Select); 8533 bases downstream of the stop codon, A replaced by G.
Molecular consequence: 3 prime UTR variant.
Genome position (GRCh38, 1-based): chr5:148,996,178, T>C on the plus strand (A>G on the coding strand, the complement: SH3TC2 is on the minus strand). VCF-style: chr5-148996178-T-C. GRCh37 (hg19) VCF-style: chr5-148375741-T-C.
Identifiers: ClinVar variation 905085 (VCV000905085.4), dbSNP rs139372772, ClinGen allele CA12107341.

ClinVar aggregate classification (germline): Likely benign. Review status: criteria provided, single submitter (1 of 4 stars). 2 submissions from 1 submitter: Likely benign (2). Last evaluated 2018-01-13.

Conditions:
Susceptibility to mononeuropathy of the median nerve, mild. Also called: CARPAL TUNNEL SYNDROME, SUSCEPTIBILITY TO. Identifiers: MedGen C3150596, MONDO:0013237, OMIM 613353.
Charcot-Marie-Tooth disease type 4C (CMT4C). Also called: CHARCOT-MARIE-TOOTH DISEASE, DEMYELINATING, TYPE 4C; SH3TC2-Related Hereditary Motor and Sensory Neuropathy; Charcot-Marie-Tooth Neuropathy Type 4C (CMT4C); CHARCOT-MARIE-TOOTH DISEASE, DEMYELINATING, AUTOSOMAL RECESSIVE, TYPE 4C; CMT 4C. Identifiers: Orphanet 99949, MedGen C1866636, MONDO:0011113, OMIM 601596.

Allele frequency attached by ClinVar (database versions not stated): 1000 Genomes Project 30x 0.00250; 1000 Genomes Project 0.00260; TOPMed 0.00514; gnomAD 0.00850 and 0.00891.
gnomAD v4.1: 1,283 of 151,984 alleles (0.84%); highest among the groups gnomAD compares: Non-Finnish European, 1.1%; 15 homozygotes.

Submissions (2):

Illumina Laboratory Services, Illumina
Classification: Likely benign for Susceptibility to mononeuropathy of the median nerve, mild. Last evaluated: 2018-01-13. Review status: criteria provided, single submitter. Criteria: ICSL Variant Classification Criteria 13 December 2019. Collection method: clinical testing. Allele origin: germline.
Comment: This variant was observed in the ICSL laboratory as part of a predisposition screen in an ostensibly healthy population. It had not been previously curated by ICSL or reported in the Human Gene Mutation Database (HGMD: prior to June 1st, 2018), and was therefore a candidate for classification through an automated scoring system. Utilizing variant allele frequency, disease prevalence and penetrance estimates, and inheritance mode, an automated score was calculated to assess if this variant is too frequent to cause the disease. Based on the score and internal cut-off values, a variant classified as likely benign is not then subjected to further curation. The score for this variant resulted in a classification of likely benign for this disease.

Illumina Laboratory Services, Illumina
Classification: Likely benign for Charcot-Marie-Tooth disease type 4C. Last evaluated: 2018-01-13. Review status: criteria provided, single submitter. Criteria: ICSL Variant Classification Criteria 13 December 2019. Collection method: clinical testing. Allele origin: germline.
Comment: the same text as in the submission from Illumina Laboratory Services, Illumina above.